The following is an entry in ClinVar:

ClinVar aggregate classification (germline): Likely benign (0 of 4 stars; one submission).

Conditions:
P2RX2-related disorder. Also called: P2RX2-related condition.

gnomAD v4.1: 119 of 1,611,696 alleles (0.0074%); highest among the groups gnomAD compares: Middle Eastern, 0.016%; no homozygotes.

Submission:

PreventionGenetics, part of Exact Sciences
Classification: Likely benign for P2RX2-related condition. Last evaluated: 2024-06-28. Review status: no assertion criteria provided. Collection method: clinical testing. Allele origin: germline.
Comment: This variant is classified as likely benign based on ACMG/AMP sequence variant interpretation guidelines (Richards et al. 2015 PMID: 25741868, with internal and published modifications).

NM_170682.4(P2RX2):c.1278G>A (p.Gly426=)

Gene: P2RX2 (purinergic receptor P2X 2; plus strand). Cytogenetic location: 12q24.33.
Variant type: single nucleotide variant.
Coding change: c.1278G>A on transcript NM_170682.4 (MANE Select); coding-DNA position 1278, G replaced by A.
Protein change: p.Gly426=; no amino-acid change (glycine 426 retained).
Molecular consequence: synonymous variant. On other transcripts: 3 prime UTR variant (1), intron variant (2).
Genome position (GRCh38, 1-based): chr12:132,621,834, G>A. VCF-style: chr12-132621834-G-A. GRCh37 (hg19) VCF-style: chr12-133198420-G-A.
Other names: c.*325G>A (NM_001282165.2); c.1062G>A, p.Gly354= (NM_012226.5); c.1206G>A, p.Gly402= (NM_016318.4); c.1356G>A, p.Gly452= (NM_170683.4); c.1002G>A, p.Gly334= (NM_174872.3); c.1141-64G>A (NM_174873.3); c.1039-64G>A (NM_001282164.2).
Identifiers: ClinVar variation 3353029 (VCV003353029.1).